The following is an entry in ClinVar:

NM_000321.3(RB1):c.608-2del

Gene: RB1 (RB transcriptional corepressor 1; plus strand). Cytogenetic location: 13q14.2.
Variant type: Deletion.
Coding change: c.608-2del on transcript NM_000321.3 (MANE Select); the canonical splice acceptor site of the intron before coding-DNA position 608, one base deleted (A; older notation c.608-2delA).
Molecular consequence: splice acceptor variant.
Genome position (GRCh38, 1-based): chr13:48,360,015, A deleted. VCF-style (leftmost placement, unchanged base first): chr13-48360014-CA-C. GRCh37 (hg19) VCF-style: chr13-48934150-CA-C.
Other names: c.608-2del (NM_001407165.1, NM_001407166.1).
Identifiers: ClinVar variation 1039010 (VCV001039010.10), dbSNP rs1952624973, ClinGen allele CA2089980305.

ClinVar aggregate classification (germline): Conflicting classifications of pathogenicity. Review status: criteria provided, conflicting classifications (1 of 4 stars). 2 submissions from 2 submitters: Pathogenic (1); Uncertain significance (1). Last evaluated 2024-05-20.

Conditions:
Retinoblastoma (RB1). Also called: RETINOBLASTOMA, SOMATIC. Identifiers: Orphanet 790, MedGen C0035335, MeSH D012175, MONDO:0008380, OMIM 180200, HP:0009919. Disease mechanism: loss of function. Inheritance: Both sporadic and heritable forms are tested..

Submissions (2):

Genetic Diagnostic Laboratory, University of Pennsylvania School of Medicine
Classification: Pathogenic for Retinoblastoma. Last evaluated: 2024-05-20. Review status: criteria provided, single submitter. Criteria: ACMG Guidelines, 2015. Collection method: clinical testing. Allele origin: germline. Affected: yes. Observed: 1 variant allele.
Comment: Case and Pedigree Information: BILATERAL CASES:0, UNILATERAL CASES:1, TOTAL CASES:1, PEDIGREES:1. ACMG Codes Applied:PVS1, PM2

Labcorp Genetics (formerly Invitae), Labcorp
Classification: Uncertain significance for Retinoblastoma. Last evaluated: 2020-10-21. Review status: criteria provided, single submitter. Criteria: Invitae Variant Classification Sherloc (09022015). Collection method: clinical testing. Allele origin: germline.
Comment: In summary, the available evidence is currently insufficient to determine the role of this variant in disease. Therefore, it has been classified as a Variant of Uncertain Significance. Algorithms developed to predict the effect of sequence changes on RNA splicing suggest that this variant may disrupt the consensus splice site. However, these algorithms also predict a cryptic acceptor splice site 6 nucleotides downstream, the use of which would lead to the in-frame deletion of 2 amino acid residues. Use of the cryptic donor site could potentially rescue disruption of the native donor site and preserve the integrity of the reading frame. This prediction has not been confirmed by published transcriptional studies. This variant has not been reported in the literature in individuals with RB1-related conditions. This variant is not present in population databases (ExAC no frequency). This sequence change affects an acceptor splice site in intron 6 of the RB1 gene. It is expected to disrupt RNA splicing. Variants that disrupt the donor or acceptor splice site typically lead to a loss of protein function (PMID: 16199547).

Literature cited by the submitters: PubMed 16199547 (cited by Labcorp Genetics (formerly Invitae), Labcorp).